The following is an entry in ClinVar:

NM_014806.5(RUSC2):c.1418C>T (p.Pro473Leu)

Gene: RUSC2 (RUN and SH3 domain containing 2; plus strand). Cytogenetic location: 9p13.3.
Variant type: single nucleotide variant.
Coding change: c.1418C>T on transcript NM_014806.5 (MANE Select); coding-DNA position 1418, C replaced by T.
Protein change: p.Pro473Leu; replaces proline 473 with leucine.
Molecular consequence: missense variant. On other transcripts: non-coding transcript variant (1), intron variant (1).
Genome position (GRCh38, 1-based): chr9:35,547,939, C>T. VCF-style: chr9-35547939-C-T. GRCh37 (hg19) VCF-style: chr9-35547936-C-T.
Other names: c.1418C>T, p.Pro473Leu (NM_001135999.2); c.-620-7121C>T (NM_001330740.2); short protein forms P473L.
Identifiers: ClinVar variation 787071 (VCV000787071.25), dbSNP rs61740253, ClinGen allele CA5043634.

ClinVar aggregate classification (germline): Conflicting classifications of pathogenicity. Review status: criteria provided, conflicting classifications (1 of 4 stars). 4 submissions from 4 submitters: Uncertain significance (2); Likely benign (2). Last evaluated 2026-01-28.

Conditions:
Intellectual developmental disorder, autosomal recessive 61. Also called: MENTAL RETARDATION, AUTOSOMAL RECESSIVE 61; ALWADEI SYNDROME; Intellectual disability, autosomal recessive 61. Identifiers: MedGen C4540424, MONDO:0030915, OMIM 617773.

Allele frequency attached by ClinVar (database versions not stated): gnomAD exomes 0.00051 and 0.00023; ExAC 0.00064; gnomAD 0.00257 and 0.00238; ESP Exome Variant Server 0.00238; TOPMed 0.00261; 1000 Genomes Project 30x 0.00281; 1000 Genomes Project 0.00240.
gnomAD v4.1: 710 of 1,614,258 alleles (0.044%); highest among the groups gnomAD compares: African/African-American, 0.87%; 3 homozygotes.

Submissions (4):

Labcorp Genetics (formerly Invitae), Labcorp
Classification: Likely benign. Last evaluated: 2026-01-28. Review status: criteria provided, single submitter. Criteria: Invitae Variant Classification Sherloc (09022015). Collection method: clinical testing. Allele origin: germline.

CeGaT Center for Human Genetics Tuebingen
Classification: Likely benign. Last evaluated: 2025-02-01. Review status: criteria provided, single submitter. Criteria: CeGaT Center For Human Genetics Tuebingen Variant Classification Criteria Version 2. Collection method: clinical testing. Allele origin: germline. Affected: yes. Observed: 1 variant allele.
Comment: RUSC2: BP4

GeneDx
Classification: Uncertain significance. Last evaluated: 2023-08-05. Review status: criteria provided, single submitter. Criteria: GeneDx Variant Classification Process June 2021. Collection method: clinical testing. Allele origin: germline. Affected: yes.
Comment: In silico analysis supports that this missense variant does not alter protein structure/function; Has not been previously published as pathogenic or benign to our knowledge

Baylor Genetics
Classification: Uncertain significance for Intellectual developmental disorder, autosomal recessive 61. Last evaluated: 2018-09-28. Review status: criteria provided, single submitter. Criteria: ACMG Guidelines, 2015. Collection method: clinical testing. Allele origin: unknown. Affected: yes.
Comment: This variant was determined to be of uncertain significance according to ACMG Guidelines, 2015 [PMID:25741868].